The following is an entry in ClinVar:

NM_000138.5(FBN1):c.5066-7C>G

Gene: FBN1 (fibrillin 1; minus strand). Cytogenetic location: 15q21.1.
Variant type: single nucleotide variant.
Coding change: c.5066-7C>G on transcript NM_000138.5 (MANE Select); 7 bases into the intron before coding-DNA position 5066, C replaced by G.
Molecular consequence: intron variant.
Genome position (GRCh38, 1-based): chr15:48,463,247, G>C on the plus strand (C>G on the coding strand, the complement: FBN1 is on the minus strand). VCF-style: chr15-48463247-G-C. GRCh37 (hg19) VCF-style: chr15-48755444-G-C.
Identifiers: ClinVar variation 237095 (VCV000237095.18), dbSNP rs377369765, ClinGen allele CA10583243.

ClinVar aggregate classification (germline): Likely benign. Review status: criteria provided, multiple submitters, no conflicts (2 of 4 stars). 5 submissions from 5 submitters: Likely benign (5). Last evaluated 2025-12-08.

Conditions:
Marfan syndrome (MFS). Also called: MARFAN SYNDROME, TYPE I; FBN1-Related Marfan Syndrome; Marfan syndrome, classic; Marfan syndrome type 1; Marfan's syndrome. Identifiers: Orphanet 284963, Orphanet 558, MedGen C0024796, MONDO:0007947, OMIM 154700.
Familial thoracic aortic aneurysm and aortic dissection (TAAD). Also called: Thoracic aortic aneurysms and dissections. Identifiers: Orphanet 91387, MedGen C4707243, MONDO:0019625.

Allele frequency attached by ClinVar (database versions not stated): gnomAD 0.00003; ESP Exome Variant Server 0.00008; TOPMed 0.00004.
gnomAD v4.1: 69 of 1,613,144 alleles (0.0043%); highest among the groups gnomAD compares: Non-Finnish European, 0.0055%; no homozygotes.

Submissions (5):

Labcorp Genetics (formerly Invitae), Labcorp
Classification: Likely benign for Marfan syndrome; Familial thoracic aortic aneurysm and aortic dissection. Last evaluated: 2025-12-08. Review status: criteria provided, single submitter. Criteria: Invitae Variant Classification Sherloc (09022015). Collection method: clinical testing. Allele origin: germline.

Women's Health and Genetics/Laboratory Corporation of America, LabCorp
Classification: Likely benign. Last evaluated: 2025-04-23. Review status: criteria provided, single submitter. Criteria: LabCorp Variant Classification Summary - May 2015. Collection method: clinical testing. Allele origin: germline.

All of Us Research Program, National Institutes of Health
Classification: Likely benign for Marfan syndrome. Last evaluated: 2024-07-10. Review status: criteria provided, single submitter. Criteria: ACMG Guidelines, 2015. Collection method: clinical testing. Allele origin: germline. Inheritance: Autosomal dominant inheritance. Observed: 7 variant alleles, 7 heterozygotes.
Comment: This study involves interpretation of variants in research participants for the purpose of population health screening. Participant phenotype was not available at the time of variant classification. Additional details can be found in publication PMID: 35346344, PMCID: PMC8962531

Color Diagnostics, LLC DBA Color Health
Classification: Likely benign for Familial thoracic aortic aneurysm and aortic dissection. Last evaluated: 2018-11-08. Review status: criteria provided, single submitter. Criteria: ACMG Guidelines, 2015. Collection method: clinical testing. Allele origin: germline.

GeneDx
Classification: Likely benign. Last evaluated: 2018-05-21. Review status: criteria provided, single submitter. Criteria: GeneDx Variant Classification (06012015). Collection method: clinical testing. Allele origin: germline. Affected: yes.
Comment: This variant is considered likely benign or benign based on one or more of the following criteria: it is a conservative change, it occurs at a poorly conserved position in the protein, it is predicted to be benign by multiple in silico algorithms, and/or has population frequency not consistent with disease.